The following is an entry in ClinVar:

ClinVar aggregate classification (germline): Uncertain significance (1 of 4 stars; one submission).

Conditions:
Hereditary cancer-predisposing syndrome. Also called: Neoplastic Syndromes, Hereditary; Tumor predisposition; Hereditary neoplastic syndrome; Hereditary Cancer Syndrome. Identifiers: Orphanet 140162, MedGen C0027672, MeSH D009386, MONDO:0015356.

Submission:

Ambry Genetics
Classification: Uncertain significance for Hereditary cancer-predisposing syndrome. Last evaluated: 2026-07-07. Review status: criteria provided, single submitter. Criteria: Ambry Variant Classification Scheme 2023. Collection method: clinical testing. Allele origin: germline.
Comment: The p.I347L variant (also known as c.1039A>T), located in coding exon 6 of the PDGFRA gene, results from an A to T substitution at nucleotide position 1039. The isoleucine at codon 347 is replaced by leucine, an amino acid with highly similar properties. This amino acid position is conserved. In addition, this alteration is predicted to be tolerated by in silico analysis. Based on the available evidence, the clinical significance of this variant remains unclear.

NM_006206.6(PDGFRA):c.1039A>T (p.Ile347Leu)

Gene: PDGFRA (platelet derived growth factor receptor alpha; plus strand). Cytogenetic location: 4q12.
Variant type: single nucleotide variant.
Coding change: c.1039A>T on transcript NM_006206.6 (MANE Select); coding-DNA position 1039, A replaced by T.
Protein change: p.Ile347Leu; replaces isoleucine 347 with leucine.
Molecular consequence: missense variant.
Genome position (GRCh38, 1-based): chr4:54,267,659, A>T. VCF-style: chr4-54267659-A-T. GRCh37 (hg19) VCF-style: chr4-55133826-A-T.
Other names: c.1039A>T, p.Ile347Leu (NM_001347827.2, NM_001347829.2); c.1114A>T, p.Ile372Leu (NM_001347828.2); c.1078A>T, p.Ile360Leu (NM_001347830.2); short protein forms I347L, I372L, I360L.
Identifiers: ClinVar variation 5026437 (VCV005026437.1).